The following is an entry in ClinVar:

ClinVar aggregate classification (germline): Pathogenic (0 of 4 stars; one submission).

Conditions:
15q11q13 microduplication syndrome. Also called: DUPLICATION 15q11-q13 SYNDROME; Maternal 15q Duplication Syndrome; 15q11.2-q13.1 Duplication Syndrome; Chromosome 15q11-q13 duplication syndrome. Identifiers: Orphanet 238446, MedGen C2675336, MONDO:0012081, OMIM 608636.

Submission:

GeneReviews
Classification: Pathogenic for 15q11q13 microduplication syndrome. Last evaluated: 2016-03-02. Review status: no assertion criteria provided. Collection method: literature only. Allele origin: germline. Affected: yes.

GRCh37/hg19 chr15:21483759-32644465

Variant type: Variation.
Identifiers: ClinVar variation 236260 (VCV000236260.1).